The following is an entry in ClinVar:

ClinVar aggregate classification (germline): Uncertain significance (1 of 4 stars; one submission).

Conditions:
Charcot-Marie-Tooth disease axonal type 2O. Also called: CHARCOT-MARIE-TOOTH NEUROPATHY, AXONAL, TYPE 2O; CHARCOT-MARIE-TOOTH DISEASE, AXONAL, AUTOSOMAL DOMINANT, TYPE 2O; Charcot-Marie-Tooth disease, axonal, type 20; Charcot-Marie-Tooth Neuropathy Type 2O. Identifiers: Orphanet 284232, MedGen C3280220, MONDO:0013644, OMIM 614228.

Allele frequency attached by ClinVar (database versions not stated): gnomAD exomes below 0.00001.
gnomAD v4.1: 1 of 1,614,204 alleles (0.000062%); highest among the groups gnomAD compares: Non-Finnish European, 0.000085%; no homozygotes.

Submission:

Labcorp Genetics (formerly Invitae), Labcorp
Classification: Uncertain significance for Charcot-Marie-Tooth disease axonal type 2O. Last evaluated: 2025-07-07. Review status: criteria provided, single submitter. Criteria: Invitae Variant Classification Sherloc (09022015). Collection method: clinical testing. Allele origin: germline.
Comment: This sequence change replaces alanine, which is neutral and non-polar, with valine, which is neutral and non-polar, at codon 2829 of the DYNC1H1 protein (p.Ala2829Val). This variant is not present in population databases (gnomAD no frequency). This variant has not been reported in the literature in individuals affected with DYNC1H1-related conditions. ClinVar contains an entry for this variant (Variation ID: 1043927). Invitae Evidence Modeling of protein sequence and biophysical properties (such as structural, functional, and spatial information, amino acid conservation, physicochemical variation, residue mobility, and thermodynamic stability) has been performed for this missense variant. However, the output from this modeling did not meet the statistical confidence thresholds required to predict the impact of this variant on DYNC1H1 protein function. In summary, the available evidence is currently insufficient to determine the role of this variant in disease. Therefore, it has been classified as a Variant of Uncertain Significance.

NM_001376.5(DYNC1H1):c.8486C>T (p.Ala2829Val)

Gene: DYNC1H1 (dynein cytoplasmic 1 heavy chain 1; plus strand). Cytogenetic location: 14q32.31.
Variant type: single nucleotide variant.
Coding change: c.8486C>T on transcript NM_001376.5 (MANE Select); coding-DNA position 8486, C replaced by T.
Protein change: p.Ala2829Val; replaces alanine 2829 with valine.
Molecular consequence: missense variant.
Genome position (GRCh38, 1-based): chr14:102,020,035, C>T. VCF-style: chr14-102020035-C-T. GRCh37 (hg19) VCF-style: chr14-102486372-C-T.
Other names: short protein forms A2829V.
Identifiers: ClinVar variation 1043927 (VCV001043927.8), dbSNP rs2048367270, ClinGen allele CA391006925.